The following is an entry in ClinVar:

NM_001283009.2(RTEL1):c.1022T>C (p.Val341Ala)

Genes: RTEL1 (regulator of telomere elongation helicase 1; plus strand), RTEL1-TNFRSF6B (RTEL1-TNFRSF6B readthrough (NMD candidate); plus strand). Cytogenetic location: 20q13.33.
Variant type: single nucleotide variant.
Coding change: c.1022T>C on transcript NM_001283009.2 (MANE Select); coding-DNA position 1022, T replaced by C.
Protein change: p.Val341Ala; replaces valine 341 with alanine.
Molecular consequence: missense variant. On other transcripts: non-coding transcript variant (1).
Genome position (GRCh38, 1-based): chr20:63,678,331, T>C. VCF-style: chr20-63678331-T-C. GRCh37 (hg19) VCF-style: chr20-62309684-T-C.
Other names: c.1094T>C (NM_032957.4); c.353T>C, p.Val118Ala (NM_001283010.1); c.1022T>C, p.Val341Ala (NM_016434.4); c.1094T>C, p.Val365Ala (NM_032957.5); short protein forms V118A, V341A, V365A.
Identifiers: ClinVar variation 2169700 (VCV002169700.3), dbSNP rs757889139, ClinGen allele CA9964563.

ClinVar aggregate classification (germline): Uncertain significance. Review status: criteria provided, multiple submitters, no conflicts (2 of 4 stars). 2 submissions from 2 submitters: Uncertain significance (2). Last evaluated 2025-08-18.

Conditions:
Pulmonary fibrosis and/or bone marrow failure, Telomere-related, 3. Also called: PULMONARY FIBROSIS AND/OR BONE MARROW FAILURE SYNDROME, TELOMERE-RELATED, 3. Identifiers: Orphanet 2032, MedGen C4225346, MONDO:0014613, OMIM 616373.
Dyskeratosis congenita, autosomal recessive 5 (DKCB5). Identifiers: MedGen C3554656, MONDO:0014076, OMIM 615190.
Inborn genetic diseases. Identifiers: MedGen C0950123, MeSH D030342.

Allele frequency attached by ClinVar (database versions not stated): gnomAD exomes 0.00001; gnomAD 0.00009; ExAC 0.00005; TOPMed 0.00008.
gnomAD v4.1: 24 of 1,612,366 alleles (0.0015%); highest among the groups gnomAD compares: African/African-American, 0.028%; no homozygotes.

Submissions (2):

Labcorp Genetics (formerly Invitae), Labcorp
Classification: Uncertain significance for Dyskeratosis congenita, autosomal recessive 5; Pulmonary fibrosis and/or bone marrow failure, Telomere-related, 3. Last evaluated: 2025-08-18. Review status: criteria provided, single submitter. Criteria: Invitae Variant Classification Sherloc (09022015). Collection method: clinical testing. Allele origin: germline.
Comment: This sequence change replaces valine, which is neutral and non-polar, with alanine, which is neutral and non-polar, at codon 341 of the RTEL1 protein (p.Val341Ala). This variant is present in population databases (rs757889139, gnomAD 0.05%). This variant has not been reported in the literature in individuals affected with RTEL1-related conditions. ClinVar contains an entry for this variant (Variation ID: 2169700). An algorithm developed to predict the effect of missense changes on protein structure and function (PolyPhen-2) suggests that this variant is likely to be tolerated. In summary, the available evidence is currently insufficient to determine the role of this variant in disease. Therefore, it has been classified as a Variant of Uncertain Significance.

Ambry Genetics
Classification: Uncertain significance for Inborn genetic diseases. Last evaluated: 2021-01-11. Review status: criteria provided, single submitter. Criteria: Ambry Variant Classification Scheme 2023. Collection method: clinical testing. Allele origin: germline.
Comment: The c.1094T>C (p.V365A) alteration is located in exon 12 (coding exon 11) of the RTEL1 gene. This alteration results from a T to C substitution at nucleotide position 1094, causing the valine (V) at amino acid position 365 to be replaced by an alanine (A). The p.V365A alteration is predicted to be tolerated by in silico analysis. Based on insufficient or conflicting evidence, the clinical significance of this alteration remains unclear.